The following is an entry in ClinVar:

ClinVar aggregate classification (germline): Uncertain significance (1 of 4 stars; one submission).

Conditions:
Glycogen storage disease, type II (IOPD). Also called: Glucosidase acid-1,4-alpha deficiency; Pompe Disease; POMPE DISEASE, INFANTILE-ONSET; GLYCOGEN STORAGE DISEASE II, INFANTILE-ONSET; ACID ALPHA-GLUCOSIDASE DEFICIENCY, INFANTILE-ONSET; GAA DEFICIENCY, INFANTILE-ONSET. Identifiers: Orphanet 365, MedGen C0017921, MONDO:0009290, OMIM 232300.

Allele frequency attached by ClinVar (database versions not stated): gnomAD exomes below 0.00001.

Submission:

Labcorp Genetics (formerly Invitae), Labcorp
Classification: Uncertain significance for Glycogen storage disease, type II. Last evaluated: 2021-08-27. Review status: criteria provided, single submitter. Criteria: Invitae Variant Classification Sherloc (09022015). Collection method: clinical testing. Allele origin: germline.
Comment: This sequence change replaces proline with histidine at codon 65 of the GAA protein (p.Pro65His). The proline residue is moderately conserved and there is a moderate physicochemical difference between proline and histidine. This variant is not present in population databases (ExAC no frequency). This variant has not been reported in the literature in individuals affected with GAA-related conditions. Algorithms developed to predict the effect of missense changes on protein structure and function output the following: SIFT: "Deleterious"; PolyPhen-2: "Benign"; Align-GVGD: "Class C0". The histidine amino acid residue is found in multiple mammalian species, which suggests that this missense change does not adversely affect protein function. In summary, the available evidence is currently insufficient to determine the role of this variant in disease. Therefore, it has been classified as a Variant of Uncertain Significance.

NM_000152.5(GAA):c.194C>A (p.Pro65His)

Gene: GAA (alpha glucosidase; plus strand). Cytogenetic location: 17q25.3.
Variant type: single nucleotide variant.
Coding change: c.194C>A on transcript NM_000152.5 (MANE Select); coding-DNA position 194, C replaced by A.
Protein change: p.Pro65His; replaces proline 65 with histidine.
Molecular consequence: missense variant.
Genome position (GRCh38, 1-based): chr17:80,104,780, C>A. VCF-style: chr17-80104780-C-A. GRCh37 (hg19) VCF-style: chr17-78078579-C-A.
Other names: c.194C>A, p.Pro65His (NM_001079803.3, NM_001079804.3); c.194C>A (LRG_673t1); short protein forms P65H.
Identifiers: ClinVar variation 456389 (VCV000456389.7), dbSNP rs1482530928, ClinGen allele CA401360433.